The following is an entry in ClinVar:

ClinVar aggregate classification (germline): Uncertain significance (1 of 4 stars; one submission).

Allele frequency attached by ClinVar (database versions not stated): ExAC 0.00001; gnomAD 0.00001; gnomAD exomes 0.00001 and 0.00003.
gnomAD v4.1: 51 of 1,613,508 alleles (0.0032%); highest among the groups gnomAD compares: Non-Finnish European, 0.0042%; no homozygotes.

Submission:

Labcorp Genetics (formerly Invitae), Labcorp
Classification: Uncertain significance. Last evaluated: 2021-07-20. Review status: criteria provided, single submitter. Criteria: Invitae Variant Classification Sherloc (09022015). Collection method: clinical testing. Allele origin: germline.
Comment: This variant has not been reported in the literature in individuals affected with SPART-related conditions. This variant is present in population databases (rs761438354, ExAC 0.002%). This sequence change replaces proline with alanine at codon 280 of the SPART protein (p.Pro280Ala). The proline residue is highly conserved and there is a small physicochemical difference between proline and alanine. Algorithms developed to predict the effect of missense changes on protein structure and function (SIFT, PolyPhen-2, Align-GVGD) all suggest that this variant is likely to be tolerated. In summary, the available evidence is currently insufficient to determine the role of this variant in disease. Therefore, it has been classified as a Variant of Uncertain Significance.

NM_015087.5(SPART):c.838C>G (p.Pro280Ala)

Gene: SPART (spartin; minus strand). Cytogenetic location: 13q13.3.
Variant type: single nucleotide variant.
Coding change: c.838C>G on transcript NM_015087.5 (MANE Select); coding-DNA position 838, C replaced by G.
Protein change: p.Pro280Ala; replaces proline 280 with alanine.
Molecular consequence: missense variant.
Genome position (GRCh38, 1-based): chr13:36,331,569, G>C on the plus strand (C>G on the coding strand, the complement: SPART is on the minus strand). VCF-style: chr13-36331569-G-C. GRCh37 (hg19) VCF-style: chr13-36905706-G-C.
Other names: c.838C>G, p.Pro280Ala (NM_001142294.2, NM_001142295.2, NM_001142296.2); short protein forms P280A.
Identifiers: ClinVar variation 1437023 (VCV001437023.7), dbSNP rs761438354, ClinGen allele CA6949556.